The following is an entry in ClinVar:

ClinVar aggregate classification (germline): Uncertain significance (1 of 4 stars; one submission).

Submission:

Labcorp Genetics (formerly Invitae), Labcorp
Classification: Uncertain significance. Last evaluated: 2022-07-30. Review status: criteria provided, single submitter. Criteria: Invitae Variant Classification Sherloc (09022015). Collection method: clinical testing. Allele origin: germline.
Comment: In summary, the available evidence is currently insufficient to determine the role of this variant in disease. Therefore, it has been classified as a Variant of Uncertain Significance. This sequence change replaces serine, which is neutral and polar, with arginine, which is basic and polar, at codon 4070 of the HSPG2 protein (p.Ser4070Arg). This variant is not present in population databases (gnomAD no frequency). This variant has not been reported in the literature in individuals affected with HSPG2-related conditions. Algorithms developed to predict the effect of missense changes on protein structure and function are either unavailable or do not agree on the potential impact of this missense change (SIFT: "Deleterious"; PolyPhen-2: "Probably Damaging"; Align-GVGD: "Class C0").

NM_005529.7(HSPG2):c.12210C>G (p.Ser4070Arg)

Gene: HSPG2 (heparan sulfate proteoglycan 2; minus strand). Cytogenetic location: 1p36.12.
Variant type: single nucleotide variant.
Coding change: c.12210C>G on transcript NM_005529.7 (MANE Select); coding-DNA position 12210, C replaced by G.
Protein change: p.Ser4070Arg; replaces serine 4070 with arginine.
Molecular consequence: missense variant.
Genome position (GRCh38, 1-based): chr1:21,828,862, G>C on the plus strand (C>G on the coding strand, the complement: HSPG2 is on the minus strand). VCF-style: chr1-21828862-G-C. GRCh37 (hg19) VCF-style: chr1-22155355-G-C.
Other names: c.12213C>G, p.Ser4071Arg (NM_001291860.2); short protein forms S4070R, S4071R.
Identifiers: ClinVar variation 1714341 (VCV001714341.5), dbSNP rs776344061, ClinGen allele CA338900962.